The following is an entry in ClinVar:

NM_005188.4(CBL):c.451C>G (p.Leu151Val)

Gene: CBL (Cbl proto-oncogene; plus strand). Cytogenetic location: 11q23.3.
Variant type: single nucleotide variant.
Coding change: c.451C>G on transcript NM_005188.4 (MANE Select); coding-DNA position 451, C replaced by G.
Protein change: p.Leu151Val; replaces leucine 151 with valine.
Molecular consequence: missense variant.
Genome position (GRCh38, 1-based): chr11:119,271,742, C>G. VCF-style: chr11-119271742-C-G. GRCh37 (hg19) VCF-style: chr11-119142452-C-G.
Other names: short protein forms L151V.
Identifiers: ClinVar variation 4072823 (VCV004072823.1).

ClinVar aggregate classification (germline): Uncertain significance (1 of 4 stars; one submission).

Submission:

GeneDx
Classification: Uncertain significance. Last evaluated: 2025-02-04. Review status: criteria provided, single submitter. Criteria: GeneDx Variant Classification Process June 2021. Collection method: clinical testing. Allele origin: germline. Affected: yes.
Comment: Not observed at significant frequency in large population cohorts (gnomAD); In silico analysis supports that this missense variant has a deleterious effect on protein structure/function; Has not been previously published as pathogenic or benign to our knowledge; This variant is associated with the following publications: (PMID: 18034775, 20619386)